The following is an entry in ClinVar:

ClinVar aggregate classification (germline): Uncertain significance (1 of 4 stars; one submission).

Allele frequency attached by ClinVar (database versions not stated): TOPMed below 0.00001; gnomAD 0.00001; 1000 Genomes Project 30x 0.00031.
gnomAD v4.1: 9 of 1,559,394 alleles (0.00058%); highest among the groups gnomAD compares: Admixed American, 0.0019%; no homozygotes.

Submission:

Labcorp Genetics (formerly Invitae), Labcorp
Classification: Uncertain significance. Last evaluated: 2024-10-01. Review status: criteria provided, single submitter. Criteria: Invitae Variant Classification Sherloc (09022015). Collection method: clinical testing. Allele origin: germline.
Comment: This sequence change replaces arginine, which is basic and polar, with histidine, which is basic and polar, at codon 610 of the KMT2B protein (p.Arg610His). The frequency data for this variant in the population databases is considered unreliable, as metrics indicate poor data quality at this position in the gnomAD database. This variant has not been reported in the literature in individuals affected with KMT2B-related conditions. Invitae Evidence Modeling of protein sequence and biophysical properties (such as structural, functional, and spatial information, amino acid conservation, physicochemical variation, residue mobility, and thermodynamic stability) has been performed for this missense variant. However, the output from this modeling did not meet the statistical confidence thresholds required to predict the impact of this variant on KMT2B protein function. In summary, the available evidence is currently insufficient to determine the role of this variant in disease. Therefore, it has been classified as a Variant of Uncertain Significance.

NM_014727.3(KMT2B):c.1829G>A (p.Arg610His)

Gene: KMT2B (lysine methyltransferase 2B; plus strand). Cytogenetic location: 19q13.12.
Variant type: single nucleotide variant.
Coding change: c.1829G>A on transcript NM_014727.3 (MANE Select); coding-DNA position 1829, G replaced by A.
Protein change: p.Arg610His; replaces arginine 610 with histidine.
Molecular consequence: missense variant.
Genome position (GRCh38, 1-based): chr19:35,721,176, G>A. VCF-style: chr19-35721176-G-A. GRCh37 (hg19) VCF-style: chr19-36212078-G-A.
Other names: short protein forms R610H.
Identifiers: ClinVar variation 2968051 (VCV002968051.3), dbSNP rs766234703, ClinGen allele CA9384306.